The following is an entry in ClinVar:

NM_001009944.3(PKD1):c.10141C>T (p.Leu3381Phe)

Gene: PKD1 (polycystin 1, transient receptor potential channel interacting; minus strand). Cytogenetic location: 16p13.3.
Variant type: single nucleotide variant.
Coding change: c.10141C>T on transcript NM_001009944.3 (MANE Select); coding-DNA position 10141, C replaced by T.
Protein change: p.Leu3381Phe; replaces leucine 3381 with phenylalanine.
Molecular consequence: missense variant.
Genome position (GRCh38, 1-based): chr16:2,097,894, G>A on the plus strand (C>T on the coding strand, the complement: PKD1 is on the minus strand). VCF-style: chr16-2097894-G-A. GRCh37 (hg19) VCF-style: chr16-2147895-G-A.
Other names: c.10141C>T, p.Leu3381Phe (NM_000296.4); short protein forms L3381F.
Identifiers: ClinVar variation 1699368 (VCV001699368.3), dbSNP rs142799331, ClinGen allele CA7829792.

ClinVar aggregate classification (germline): Uncertain significance (1 of 4 stars; one submission).

Conditions:
Polycystic kidney disease, adult type (PKD1). Also called: Polycystic Kidney Disease 1, Autosomal Dominant; Polycystic kidney disease 1; Polycystic kidney disease 1, severe; Polycystic Kidney, Autosomal Dominant; POLYCYSTIC KIDNEY DISEASE 1 WITH OR WITHOUT POLYCYSTIC LIVER DISEASE; POLYCYSTIC KIDNEY DISEASE, ADULT, TYPE I. Identifiers: MedGen C3149841, MONDO:0008263, OMIM 173900.

Allele frequency attached by ClinVar (database versions not stated): ESP Exome Variant Server 0.00008; 1000 Genomes Project 0.00020; 1000 Genomes Project 30x 0.00031; gnomAD 0.00007 and 0.00006; gnomAD exomes 0.00007; TOPMed 0.00007; ExAC 0.00007.
gnomAD v4.1: 310 of 1,604,650 alleles (0.019%); highest among the groups gnomAD compares: Non-Finnish European, 0.026%; no homozygotes.

Submission:

Victorian Clinical Genetics Services, Murdoch Childrens Research Institute
Classification: Uncertain significance for Polycystic kidney disease, adult type. Last evaluated: 2022-06-24. Review status: criteria provided, single submitter. Criteria: ACMG Guidelines, 2015. Collection method: clinical testing. Allele origin: germline. Inheritance: Autosomal dominant inheritance. Affected: yes.
Comment: Based on the classification scheme VCGS_Germline_v1.3.4, this variant is classified as VUS-3B. Following criteria are met: 0102 - Loss of function is a known mechanism of disease in this gene and is associated with polycystic kidney disease 1 (MIM#173900) (ClinGen). (I) 0107 - Polycystic kidney disease 1 (MIM#173900) is predominantly caused by monoallelic variants, with rare reports of biallelic variants causing disease (OMIM). (I) 0200 - Variant is predicted to result in a missense amino acid change from leucine to phenylalanine. (I) 0251 - This variant is heterozygous. (I) 0302 - Variant is present in gnomAD (v2) <0.001 for a dominant condition (19 heterozygotes, 0 homozygotes). (SP) 0502 - Missense variant with conflicting in silico predictions and uninformative conservation. (I) 0604 - Variant is not located in an established domain, motif, hotspot or informative constraint region. (I) 0705 - No comparable missense variants have previous evidence for pathogenicity. (I) 0809 - Previous evidence of pathogenicity for this variant is inconclusive. PMID: 25646624 report this variant in a PKD1 SNV validation patient cohort but provide limited classification, phenotypic or segregation information. PMID: 32358097 report this variant in a child with a neurodevelopmental disorder and compound heterozygous KPTN gene variants. No renal imaging or parental segregation information provided. (I) 0905 - No published segregation evidence has been identified for this variant. (I) 1007 - No published functional evidence has been identified for this variant. (I) 1208 - Inheritance information for this variant is not currently available in this individual. (I) Legend: (SP) - Supporting pathogenic, (I) - Information, (SB) - Supporting benign

Literature cited by the submitters: PubMed 25646624; PubMed 32358097.